The following is an entry in ClinVar:

NM_001267550.2(TTN):c.43069C>G (p.Pro14357Ala)

Gene: TTN (titin; minus strand). Cytogenetic location: 2q31.2.
Variant type: single nucleotide variant.
Coding change: c.43069C>G on transcript NM_001267550.2 (MANE Select); coding-DNA position 43069, C replaced by G.
Protein change: p.Pro14357Ala; replaces proline 14357 with alanine.
Molecular consequence: missense variant.
Genome position (GRCh38, 1-based): chr2:178,633,204, G>C on the plus strand (C>G on the coding strand, the complement: TTN is on the minus strand). VCF-style: chr2-178633204-G-C. GRCh37 (hg19) VCF-style: chr2-179497931-G-C.
Other names: p.P12716A:CCT>GCT; c.38146C>G, p.Pro12716Ala (NM_001256850.1); c.15874C>G, p.Pro5292Ala (NM_003319.4); c.35365C>G, p.Pro11789Ala (NM_133378.4); c.16249C>G, p.Pro5417Ala (NM_133432.3); c.16450C>G, p.Pro5484Ala (NM_133437.4); short protein forms P12716A, P14357A, P5417A, P5292A, P11789A, P5484A.
Identifiers: ClinVar variation 202630 (VCV000202630.2), dbSNP rs750958593, ClinGen allele CA309808.

ClinVar aggregate classification (germline): Uncertain significance (1 of 4 stars; one submission).

Allele frequency attached by ClinVar (database versions not stated): TOPMed below 0.00001 and 0.00001.
gnomAD v4.1: 5 of 1,612,724 alleles (0.00031%); highest among the groups gnomAD compares: African/African-American, 0.0027%; no homozygotes.

Submission:

GeneDx
Classification: Uncertain significance. Last evaluated: 2014-03-28. Review status: criteria provided, single submitter. Criteria: GeneDx Variant Classification (06012015). Collection method: clinical testing. Allele origin: germline. Affected: yes.
Comment: Missense variants in the TTN gene are considered 'unclassified' if they are not previously reported in the literature and do not have >1% frequency in the population to be considered a polymorphism. Research indicates that truncating mutations in the TTN gene are expected to account for approximately 25% of familial and 18% of sporadic idiopathic DCM; however, truncating variants in the TTN gene have been reported in approximately 3% of reported control alleles. There has been little investigation into non-truncating variants. (Herman D et al. Truncations of titin causing dilated cardiomyopathy. N Eng J Med 366:619-628, 2012) The variant is found in CARDIOMYOPATHY panel(s).